The following is an entry in ClinVar:

NM_004006.3(DMD):c.10453_10454del (p.Leu3485fs)

Gene: DMD (dystrophin; minus strand). Cytogenetic location: Xp21.2.
Variant type: Deletion.
Coding change: c.10453_10454del on transcript NM_004006.3 (MANE Select); coding-DNA positions 10453 to 10454, 2 bases deleted (CT; older notation c.10453_10454delCT).
Protein change: p.Leu3485fs; shifts the reading frame from leucine 3485.
Molecular consequence: frameshift variant. On other transcripts: intron variant (2).
Genome position (GRCh38, 1-based): chrX:31,169,542-31,169,543, AG deleted on the plus strand (CT on the coding strand, the reverse complement: DMD is on the minus strand). VCF-style (leftmost placement, unchanged base first): chrX-31169541-CAG-C. GRCh37 (hg19) VCF-style: chrX-31187658-CAG-C.
Other names: c.10453_10454delCT (NM_004006.2); c.10429_10430del, p.Leu3477fs (NM_000109.4); c.10441_10442del, p.Leu3481fs (NM_004009.3); c.10084_10085del, p.Leu3362fs (NM_004010.3); c.6430_6431del, p.Leu2144fs (NM_004011.4); c.6421_6422del, p.Leu2141fs (NM_004012.4); c.3073_3074del, p.Leu1025fs (NM_004013.3, NM_004021.3); c.2266_2267del, p.Leu756fs (NM_004014.3); and 5 more; short protein forms L1012fs, L3477fs, L3485fs, L3362fs, L404fs, L2141fs, L2144fs, L1025fs.
Identifiers: ClinVar variation 1455387 (VCV001455387.9), dbSNP rs398123838, ClinGen allele CA266869.

ClinVar aggregate classification (germline): Pathogenic. Review status: criteria provided, multiple submitters, no conflicts (2 of 4 stars). 4 submissions from 4 submitters: Pathogenic (4). Last evaluated 2025-09-25.

Conditions:
Becker muscular dystrophy, Cardiomyopathy, Duchenne muscular dystrophy, Dystrophin deficiency.
Dilated cardiomyopathy 3B (CMD3B). Also called: CMD3B: DMD-Related Dilated Cardiomyopathy; CARDIOMYOPATHY, DILATED, X-LINKED; DMD-Associated Dilated Cardiomyopathy. Identifiers: Orphanet 154, MedGen C3668940, MONDO:0010542, OMIM 302045.
Becker muscular dystrophy (BMD). Also called: Becker Muscular Dystrophy (BMD); MUSCULAR DYSTROPHY, PSEUDOHYPERTROPHIC PROGRESSIVE, BECKER TYPE. Identifiers: Orphanet 98895, MedGen C0917713, MONDO:0010311, OMIM 300376.
Duchenne muscular dystrophy (DMD). Also called: Duchenne Muscular Dystrophy (DMD); MUSCULAR DYSTROPHY, PSEUDOHYPERTROPHIC PROGRESSIVE, DUCHENNE TYPE. Identifiers: Orphanet 98896, MedGen C0013264, MONDO:0010679, OMIM 310200.

Submissions (4):

Natera, Inc.
Classification: Pathogenic for Becker muscular dystrophy, Cardiomyopathy, Duchenne muscular dystrophy, Dystrophin deficiency. Last evaluated: 2025-09-25. Review status: criteria provided, single submitter. Criteria: Natera Variant Classification Schema (03/2026). Collection method: clinical testing. Allele origin: germline.
Comment: The c.10453_10454del variant in DMD is a frameshift variant predicted to shift the reading frame beginning at codon 3485 and leads to a stop codon 5 codons downstream. This variant is expected to result in nonsense mediated decay, truncation, or a dysfunctional protein product. This variant is rare in the general population with a frequency below the threshold expected for the associated phenotype(s). This variant has been observed in affected individual(s) with monoallelic occurrence (heterozygous/hemizygous) (PMID: 31919629, 32169422, 39182149, 37754746). Given the available evidence, this variant is classified as Pathogenic.

Fulgent Genetics
Classification: Pathogenic for Becker muscular dystrophy; Dilated cardiomyopathy 3B; Duchenne muscular dystrophy. Last evaluated: 2024-03-09. Review status: criteria provided, single submitter. Criteria: ACMG Guidelines, 2015. Collection method: clinical testing. Allele origin: germline.

Laboratory of Medical Genetics, National & Kapodistrian University of Athens
Classification: Pathogenic for Duchenne muscular dystrophy. Last evaluated: 2022-12-16. Review status: criteria provided, single submitter. Criteria: ACMG Guidelines, 2015. Collection method: clinical testing. Allele origin: germline. Affected: yes.
Comment: PVS1, PM2, PP5

Labcorp Genetics (formerly Invitae), Labcorp
Classification: Pathogenic for Duchenne muscular dystrophy. Last evaluated: 2022-10-24. Review status: criteria provided, single submitter. Criteria: Invitae Variant Classification Sherloc (09022015). Collection method: clinical testing. Allele origin: germline.
Comment: This sequence change creates a premature translational stop signal (p.Leu3485Glufs*5) in the DMD gene. It is expected to result in an absent or disrupted protein product. Loss-of-function variants in DMD are known to be pathogenic (PMID: 16770791, 25007885). This variant is not present in population databases (gnomAD no frequency). This premature translational stop signal has been observed in individual(s) with DMD-related conditions (PMID: 19760747, 31919629). ClinVar contains an entry for this variant (Variation ID: 1455387). For these reasons, this variant has been classified as Pathogenic.

Literature cited by the submitters: PubMed 31919629 (cited by Natera, Inc. and Labcorp Genetics (formerly Invitae), Labcorp); PubMed 32169422 (cited by Natera, Inc.); PubMed 39182149 (cited by Natera, Inc.); PubMed 37754746 (cited by Natera, Inc.); PubMed 16770791 (cited by Labcorp Genetics (formerly Invitae), Labcorp); PubMed 25007885 (cited by Labcorp Genetics (formerly Invitae), Labcorp); PubMed 19760747 (cited by Labcorp Genetics (formerly Invitae), Labcorp).